The following is an entry in ClinVar:

NM_000096.4(CP):c.1275T>C (p.Tyr425=)

Gene: CP (ceruloplasmin; minus strand). Cytogenetic location: 3q25.1.
Variant type: single nucleotide variant.
Coding change: c.1275T>C on transcript NM_000096.4 (MANE Select); coding-DNA position 1275, T replaced by C.
Protein change: p.Tyr425=; no amino-acid change (tyrosine 425 retained).
Molecular consequence: synonymous variant. On other transcripts: non-coding transcript variant (1).
Genome position (GRCh38, 1-based): chr3:149,202,175, A>G on the plus strand (T>C on the coding strand, the complement: CP is on the minus strand). VCF-style: chr3-149202175-A-G. GRCh37 (hg19) VCF-style: chr3-148919962-A-G.
Other names: p.Tyr425=.
Identifiers: ClinVar variation 343772 (VCV000343772.23), dbSNP rs34237139, ClinGen allele CA2661081.
Genomic context (GRCh38, chr3:149,202,175, plus strand): 5'-ATGCTCTTCTTCAGGGCCTCTCTCCTTTCGATTTGTGAAGGAGGCATCTGTGTACTCACG[A>G]TAAACCAGCTTTTTATAAGAGCCTCCAATTCTTGTGGTACCTTGTTCAAAAAACACCGCT-3'
Protein context (NP_000087.2, residues 415-435): RIGGSYKKLV[Tyr425=]REYTDASFTN

ClinVar aggregate classification (germline): Benign/Likely benign. Review status: criteria provided, multiple submitters, no conflicts (2 of 4 stars). 8 submissions from 8 submitters: Benign (3); Likely benign (3). 2 of the submissions do not count toward it. Last evaluated 2026-02-01.

Conditions:
Deficiency of ferroxidase (ACEP). Also called: Aceruloplasminemia; Ceruloplasmin deficiency; Familial apoceruloplasmin deficiency; Hereditary ceruloplasmin deficiency; Deficiency of ceruloplasmin; NEURODEGENERATION WITH BRAIN IRON ACCUMULATION 10. Identifiers: Orphanet 48818, MedGen C0878682, MONDO:0011426, OMIM 604290, HP:0025498.

Allele frequency attached by ClinVar (database versions not stated): gnomAD exomes 0.00050 and 0.00136; ExAC 0.00160; gnomAD 0.00455 and 0.00484; ESP Exome Variant Server 0.00477; TOPMed 0.00547; 1000 Genomes Project 0.00579; 1000 Genomes Project 30x 0.00656.
gnomAD v4.1: 1,457 of 1,614,174 alleles (0.09%); highest among the groups gnomAD compares: African/African-American, 1.6%; 11 homozygotes.

Submissions (8):

Labcorp Genetics (formerly Invitae), Labcorp
Classification: Benign for Deficiency of ferroxidase. Last evaluated: 2026-02-01. Review status: criteria provided, single submitter. Criteria: Invitae Variant Classification Sherloc (09022015). Collection method: clinical testing. Allele origin: germline.

Blueprint Genetics
Classification: Likely benign. Last evaluated: 2024-11-25. Review status: criteria provided, single submitter. Criteria: ACMG Guidelines, 2015. Collection method: clinical testing. Allele origin: germline.

Mayo Clinic Laboratories, Mayo Clinic
Classification: Benign. Last evaluated: 2024-06-04. Review status: criteria provided, single submitter. Criteria: ACMG Guidelines, 2015. Collection method: clinical testing. Allele origin: germline. Observed: 4 variant alleles.
Comment: BA1, BP4, BP7

GeneDx
Classification: Likely benign. Last evaluated: 2021-04-30. Review status: criteria provided, single submitter. Criteria: GeneDx Variant Classification Process June 2021. Collection method: clinical testing. Allele origin: germline. Affected: yes.

Illumina Laboratory Services, Illumina
Classification: Benign for Deficiency of ferroxidase. Last evaluated: 2018-01-13. Review status: criteria provided, single submitter. Criteria: ICSL Variant Classification Criteria 13 December 2019. Collection method: clinical testing. Allele origin: germline.
Comment: This variant was observed in the ICSL laboratory as part of a predisposition screen in an ostensibly healthy population. It had not been previously curated by ICSL or reported in the Human Gene Mutation Database (HGMD: prior to June 1st, 2018), and was therefore a candidate for classification through an automated scoring system. Utilizing variant allele frequency, disease prevalence and penetrance estimates, and inheritance mode, an automated score was calculated to assess if this variant is too frequent to cause the disease. Based on the score and internal cut-off values, a variant classified as benign is not then subjected to further curation. The score for this variant resulted in a classification of benign for this disease.

Breakthrough Genomics
Classification: Likely benign. Review status: criteria provided, single submitter. Criteria: ACMG Guidelines, 2015. Collection method: not provided. Allele origin: germline. Inheritance: Autosomal recessive inheritance. Affected: yes.

Clinical Genetics DNA and cytogenetics Diagnostics Lab, Erasmus MC, Erasmus Medical Center
Classification: Benign. Review status: no assertion criteria provided. Collection method: clinical testing. Allele origin: germline. Affected: yes. Study: VKGL Data-share Consensus. Not counted in ClinVar's aggregate classification.

Genome Diagnostics Laboratory, Amsterdam University Medical Center
Classification: Likely benign. Review status: no assertion criteria provided. Collection method: clinical testing. Allele origin: germline. Affected: yes. Study: VKGL Data-share Consensus. Not counted in ClinVar's aggregate classification.